The following is an entry in ClinVar:

ClinVar aggregate classification (germline): Uncertain significance. Review status: criteria provided, single submitter (1 of 4 stars). 2 submissions from 2 submitters: Uncertain significance (1). 1 of the submissions does not count toward it. Last evaluated 2024-11-15.

Conditions:
Idiopathic generalized epilepsy. Also called: EIG; Generalised epilepsy. Identifiers: MedGen C0270850, MONDO:0005579, OMIM 600669.
Self-limited epilepsy with centrotemporal spikes. Also called: Childhood epilepsy with centrotemporal spikes; Rolandic epilepsy. Identifiers: Orphanet 1945, MedGen C0376532, MONDO:0007295.

Allele frequency attached by ClinVar (database versions not stated): TOPMed 0.00001; gnomAD 0.00001; ESP Exome Variant Server 0.00008; gnomAD exomes 0.00003; ExAC 0.00004.
gnomAD v4.1: 13 of 1,580,544 alleles (0.00082%); highest among the groups gnomAD compares: African/African-American, 0.0041%; no homozygotes.

Submissions (2):

Labcorp Genetics (formerly Invitae), Labcorp
Classification: Uncertain significance for Idiopathic generalized epilepsy. Last evaluated: 2024-11-15. Review status: criteria provided, single submitter. Criteria: Invitae Variant Classification Sherloc (09022015). Collection method: clinical testing. Allele origin: germline.
Comment: This sequence change replaces valine, which is neutral and non-polar, with methionine, which is neutral and non-polar, at codon 200 of the RBFOX1 protein (p.Val200Met). This variant is present in population databases (rs372761949, gnomAD 0.005%). This missense change has been observed in individual(s) with Rolandic epilepsy (PMID: 29358611). ClinVar contains an entry for this variant (Variation ID: 433119). Invitae Evidence Modeling of protein sequence and biophysical properties (such as structural, functional, and spatial information, amino acid conservation, physicochemical variation, residue mobility, and thermodynamic stability) indicates that this missense variant is not expected to disrupt RBFOX1 protein function with a negative predictive value of 80%. In summary, the available evidence is currently insufficient to determine the role of this variant in disease. Therefore, it has been classified as a Variant of Uncertain Significance.

Bioinformatics Core, Luxembourg Center for Systems Biomedicine
Classification: Pathogenic for Self-limited epilepsy with centrotemporal spikes. Last evaluated: 2017-01-01. Review status: no assertion criteria provided. Collection method: case-control. Allele origin: germline. Affected: yes. Study: EUROEPINOMICS COGIE. Not counted in ClinVar's aggregate classification.

Literature cited by the submitters: PubMed 29358611 (cited by Labcorp Genetics (formerly Invitae), Labcorp and Bioinformatics Core, Luxembourg Center for Systems Biomedicine).

NM_018723.4(RBFOX1):c.538G>A (p.Val180Met)

Gene: RBFOX1 (RNA binding fox-1 homolog 1; plus strand). Cytogenetic location: 16p13.3.
Variant type: single nucleotide variant.
Coding change: c.538G>A on transcript NM_018723.4 (MANE Select); coding-DNA position 538, G replaced by A.
Protein change: p.Val180Met; replaces valine 180 with methionine.
Molecular consequence: missense variant.
Genome position (GRCh38, 1-based): chr16:7,595,618, G>A. VCF-style: chr16-7595618-G-A. GRCh37 (hg19) VCF-style: chr16-7645620-G-A.
Other names: c.667G>A, p.Val223Met (NM_001308117.1); c.538G>A, p.Val180Met (NM_001142333.2, NM_001142334.2, NM_001364800.2); c.598G>A, p.Val200Met (NM_145891.3, NM_145892.3, NM_145893.3); short protein forms V180M, V223M, V200M.
Identifiers: ClinVar variation 433119 (VCV000433119.8), dbSNP rs372761949, ClinGen allele CA7891532.